The following is an entry in ClinVar:

ClinVar aggregate classification (germline): Uncertain significance (1 of 4 stars; one submission).

gnomAD v4.1: 18 of 1,609,416 alleles (0.0011%); highest among the groups gnomAD compares: East Asian, 0.038%; no homozygotes.

Submission:

Labcorp Genetics (formerly Invitae), Labcorp
Classification: Uncertain significance. Last evaluated: 2024-02-18. Review status: criteria provided, single submitter. Criteria: Invitae Variant Classification Sherloc (09022015). Collection method: clinical testing. Allele origin: germline.
Comment: This sequence change replaces proline, which is neutral and non-polar, with leucine, which is neutral and non-polar, at codon 375 of the DIAPH3 protein (p.Pro375Leu). This variant is present in population databases (rs772240679, gnomAD 0.1%), and has an allele count higher than expected for a pathogenic variant. This variant has not been reported in the literature in individuals affected with DIAPH3-related conditions. An algorithm developed to predict the effect of missense changes on protein structure and function (PolyPhen-2) suggests that this variant is likely to be disruptive. In summary, the available evidence is currently insufficient to determine the role of this variant in disease. Therefore, it has been classified as a Variant of Uncertain Significance.

NM_001042517.2(DIAPH3):c.1124C>T (p.Pro375Leu)

Gene: DIAPH3 (diaphanous related formin 3; minus strand). Cytogenetic location: 13q21.2.
Variant type: single nucleotide variant.
Coding change: c.1124C>T on transcript NM_001042517.2 (MANE Select); coding-DNA position 1124, C replaced by T.
Protein change: p.Pro375Leu; replaces proline 375 with leucine.
Molecular consequence: missense variant.
Genome position (GRCh38, 1-based): chr13:59,992,474, G>A on the plus strand (C>T on the coding strand, the complement: DIAPH3 is on the minus strand). VCF-style: chr13-59992474-G-A. GRCh37 (hg19) VCF-style: chr13-60566608-G-A.
Other names: c.1091C>T, p.Pro364Leu (NM_001258366.2); c.986C>T, p.Pro329Leu (NM_001258367.2); c.914C>T, p.Pro305Leu (NM_001258368.2); c.1124C>T, p.Pro375Leu (NM_001258369.2); c.335C>T, p.Pro112Leu (NM_001258370.2, NM_030932.4); short protein forms P364L, P375L, P305L, P112L, P329L.
Identifiers: ClinVar variation 3718904 (VCV003718904.2).